The following is an entry in ClinVar:

ClinVar aggregate classification (germline): Conflicting classifications of pathogenicity. Review status: criteria provided, conflicting classifications (1 of 4 stars). 6 submissions from 6 submitters: Uncertain significance (1); Benign (1); Likely benign (3). 1 of the submissions does not count toward it. Last evaluated 2026-01-31.

Conditions:
PCDH15-related disorder. Also called: PCDH15-related disorders; PCDH15-related condition.
Inborn genetic diseases. Identifiers: MedGen C0950123, MeSH D030342.

Allele frequency attached by ClinVar (database versions not stated): gnomAD exomes 0.00021 and 0.00047; ExAC 0.00052; 1000 Genomes Project 30x 0.00203; gnomAD 0.00206 and 0.00219; TOPMed 0.00216; ESP Exome Variant Server 0.00223; 1000 Genomes Project 0.00240.
gnomAD v4.1: 622 of 1,614,006 alleles (0.039%); highest among the groups gnomAD compares: African/African-American, 0.75%; 2 homozygotes.

Submissions (6):

Labcorp Genetics (formerly Invitae), Labcorp
Classification: Likely benign. Last evaluated: 2026-01-31. Review status: criteria provided, single submitter. Criteria: Invitae Variant Classification Sherloc (09022015). Collection method: clinical testing. Allele origin: germline.

Ambry Genetics
Classification: Uncertain significance for Inborn genetic diseases. Last evaluated: 2025-06-24. Review status: criteria provided, single submitter. Criteria: Ambry Variant Classification Scheme 2023. Collection method: clinical testing. Allele origin: germline.

Blueprint Genetics
Classification: Likely benign. Last evaluated: 2024-11-25. Review status: criteria provided, single submitter. Criteria: ACMG Guidelines, 2015. Collection method: clinical testing. Allele origin: germline.

GeneDx
Classification: Likely benign. Last evaluated: 2020-11-13. Review status: criteria provided, single submitter. Criteria: GeneDx Variant Classification Process June 2021. Collection method: clinical testing. Allele origin: germline. Affected: yes.

Laboratory for Molecular Medicine, Mass General Brigham Personalized Medicine
Classification: Benign. Last evaluated: 2012-05-16. Review status: criteria provided, single submitter. Criteria: LMM Criteria. Collection method: clinical testing. Allele origin: germline. Observed: 3 variant alleles.
Comment: Tyr394Cys in Exon 11 of PCDH15: This variant is not expected to have clinical si gnificance because it has been identified in 0.6% (24/3738) of African American chromosomes from a broad population by the NHLBI Exome Sequencing Project (dbSNP rs148533341).

PreventionGenetics, part of Exact Sciences
Classification: Likely benign for PCDH15-related condition. Last evaluated: 2021-03-05. Review status: no assertion criteria provided. Collection method: clinical testing. Allele origin: germline. Not counted in ClinVar's aggregate classification.
Comment: This variant is classified as likely benign based on ACMG/AMP sequence variant interpretation guidelines (Richards et al. 2015 PMID: 25741868, with internal and published modifications).

NM_001384140.1(PCDH15):c.1181A>G (p.Tyr394Cys)

Gene: PCDH15 (protocadherin related 15; minus strand). Cytogenetic location: 10q21.1.
Variant type: single nucleotide variant.
Coding change: c.1181A>G on transcript NM_001384140.1 (MANE Select); coding-DNA position 1181, A replaced by G.
Protein change: p.Tyr394Cys; replaces tyrosine 394 with cysteine.
Molecular consequence: missense variant.
Genome position (GRCh38, 1-based): chr10:54,195,807, T>C on the plus strand (A>G on the coding strand, the complement: PCDH15 is on the minus strand). VCF-style: chr10-54195807-T-C. GRCh37 (hg19) VCF-style: chr10-55955567-T-C.
Other names: c.1196A>G, p.Tyr399Cys (NM_001142763.2, NM_001142769.4, NM_001142771.2); c.1181A>G, p.Tyr394Cys (NM_001142764.2, NM_001142765.2, NM_001142766.2 and 7 more transcripts); c.1070A>G, p.Tyr357Cys (NM_001142767.2); c.1115A>G, p.Tyr372Cys (NM_001142768.2, NM_001142773.2, NM_001354404.2); short protein forms Y394C, Y399C, Y372C, Y357C.
Identifiers: ClinVar variation 46438 (VCV000046438.24), dbSNP rs148533341, ClinGen allele CA138365.